The following is an entry in ClinVar:

NM_000543.5(SMPD1):c.113C>A (p.Ala38Glu)

Gene: SMPD1 (sphingomyelin phosphodiesterase 1; plus strand). Cytogenetic location: 11p15.4.
Variant type: single nucleotide variant.
Coding change: c.113C>A on transcript NM_000543.5 (MANE Select); coding-DNA position 113, C replaced by A.
Protein change: p.Ala38Glu; replaces alanine 38 with glutamic acid.
Molecular consequence: missense variant. On other transcripts: 5 prime UTR variant (1), non-coding transcript variant (2).
Genome position (GRCh38, 1-based): chr11:6,390,711, C>A. VCF-style: chr11-6390711-C-A. GRCh37 (hg19) VCF-style: chr11-6411941-C-A.
Other names: c.113C>A, p.Ala38Glu (NM_001007593.3, NM_001318087.2, NM_001365135.2); c.-849C>A (NM_001318088.2); short protein forms A38E.
Identifiers: ClinVar variation 498150 (VCV000498150.6), dbSNP rs71467507, ClinGen allele CA5852492.

ClinVar aggregate classification (germline): Uncertain significance. Review status: criteria provided, multiple submitters, no conflicts (2 of 4 stars). 2 submissions from 2 submitters: Uncertain significance (2). Last evaluated 2022-08-07.

Conditions:
Niemann-Pick disease, type A. Also called: Infantile Neurovisceral ASMD (Niemann-Pick Disease Type A; NPD-A); SPHINGOMYELIN LIPIDOSIS; SPHINGOMYELINASE DEFICIENCY. Identifiers: Orphanet 77292, MedGen C0268242, MONDO:0009756, OMIM 257200. Disease mechanism: loss of function.
Niemann-Pick disease, type B. Also called: Chronic Visceral ASMD (Niemann-Pick Disease Type B; NPD-B). Identifiers: Orphanet 77293, MedGen C0268243, MONDO:0011871, OMIM 607616. Disease mechanism: loss of function.

Allele frequency attached by ClinVar (database versions not stated): TOPMed 0.00003.

Submissions (2):

Labcorp Genetics (formerly Invitae), Labcorp
Classification: Uncertain significance for Niemann-Pick disease, type B; Niemann-Pick disease, type A. Last evaluated: 2022-08-07. Review status: criteria provided, single submitter. Criteria: Invitae Variant Classification Sherloc (09022015). Collection method: clinical testing. Allele origin: germline.
Comment: This sequence change replaces alanine, which is neutral and non-polar, with glutamic acid, which is acidic and polar, at codon 38 of the SMPD1 protein (p.Ala38Glu). This variant is present in population databases (rs78250081, gnomAD 0.06%). This variant has not been reported in the literature in individuals affected with SMPD1-related conditions. ClinVar contains an entry for this variant (Variation ID: 498150). Advanced modeling of protein sequence and biophysical properties (such as structural, functional, and spatial information, amino acid conservation, physicochemical variation, residue mobility, and thermodynamic stability) performed at Invitae indicates that this missense variant is not expected to disrupt SMPD1 protein function. In summary, the available evidence is currently insufficient to determine the role of this variant in disease. Therefore, it has been classified as a Variant of Uncertain Significance.

Eurofins Ntd Llc (ga)
Classification: Uncertain significance. Last evaluated: 2016-10-24. Review status: criteria provided, single submitter. Criteria: EGL Classification Definitions 2015. Collection method: clinical testing. Allele origin: germline. Observed: 1 variant allele, 1 heterozygote.